The following is an entry in ClinVar:

NM_023110.3(FGFR1):c.*963C>T

Genes: FGFR1 (fibroblast growth factor receptor 1; minus strand), LOC102723716 (uncharacterized LOC102723716; minus strand). Cytogenetic location: 8p11.23.
Variant type: single nucleotide variant.
Coding change: c.*963C>T on transcript NM_023110.3 (MANE Select); 963 bases downstream of the stop codon, C replaced by T.
Molecular consequence: 3 prime UTR variant. On other transcripts: intron variant (3).
Genome position (GRCh38, 1-based): chr8:38,412,665, G>A on the plus strand (C>T on the coding strand, the complement: FGFR1 is on the minus strand). VCF-style: chr8-38412665-G-A. GRCh37 (hg19) VCF-style: chr8-38270183-G-A.
Other names: c.*963C>T (NM_001174063.2, NM_001174064.2, NM_001174065.2 and 6 more transcripts); c.2020-70C>T (NM_001354370.2); c.2287-70C>T (NM_001354367.2); c.2281-70C>T (NM_001354369.2).
Identifiers: ClinVar variation 362875 (VCV000362875.5), dbSNP rs567128409, ClinGen allele CA10630958.
Genomic context (GRCh38, chr8:38,412,665, plus strand): 5'-AGAGGTTACAAGGAACCTGCGCCGGGAGCATGCGGTGCCCTCGGGACAGACCTAGCCCCA[G>A]GGCCCGTGGGTGTCCCTTCTTTCCAGTGGACATTCCCACCCTTTTCATACAGCCCATAGA-3'

ClinVar aggregate classification (germline): Benign. Review status: criteria provided, single submitter (1 of 4 stars). 4 submissions from 1 submitter: Benign (4). Last evaluated 2018-01-13.

Conditions:
Craniosynostosis syndrome. Also called: Craniosynostosis. Identifiers: Orphanet 1531, MedGen C0010278, MeSH D003398, MONDO:0015469, HP:0001363.
Trigonocephaly 1 (TRIGNO1). Identifiers: Orphanet 3366, MedGen C0432122, MONDO:0008603, OMIM 190440.
Osteoglophonic dysplasia (OGD). Also called: Osteoglophonic dwarfism. Identifiers: Orphanet 2645, MedGen C0432283, MONDO:0008150, OMIM 166250.
Hypogonadotropic hypogonadism 2 with or without anosmia (HH2). Also called: HYPOGONADOTROPIC HYPOGONADISM 2 WITH OR WITHOUT ANOSMIA, SUSCEPTIBILITY TO; HYPOGONADOTROPIC HYPOGONADISM 2 WITHOUT ANOSMIA, SUSCEPTIBILITY TO; FGFR1-Related GnRH Deficiency (Kallmann Syndrome 2); HYPOGONADOTROPIC HYPOGONADISM 2 WITHOUT ANOSMIA. Identifiers: Orphanet 478, MedGen C1563720, MONDO:0007844, OMIM 147950. Disease mechanism: loss of function.

Allele frequency attached by ClinVar (database versions not stated): gnomAD exomes 0.00007; gnomAD 0.00015 and 0.00016; TOPMed 0.00025; 1000 Genomes Project 0.00060; 1000 Genomes Project 30x 0.00062.
gnomAD v4.1: 30 of 233,738 alleles (0.013%); highest among the groups gnomAD compares: African/African-American, 0.051%; no homozygotes.

Submissions (4):

Illumina Laboratory Services, Illumina
Classification: Benign for Osteoglophonic dysplasia. Last evaluated: 2018-01-13. Review status: criteria provided, single submitter. Criteria: ICSL Variant Classification Criteria 13 December 2019. Collection method: clinical testing. Allele origin: germline.
Comment: This variant was observed in the ICSL laboratory as part of a predisposition screen in an ostensibly healthy population. It had not been previously curated by ICSL or reported in the Human Gene Mutation Database (HGMD: prior to June 1st, 2018), and was therefore a candidate for classification through an automated scoring system. Utilizing variant allele frequency, disease prevalence and penetrance estimates, and inheritance mode, an automated score was calculated to assess if this variant is too frequent to cause the disease. Based on the score and internal cut-off values, a variant classified as benign is not then subjected to further curation. The score for this variant resulted in a classification of benign for this disease.

Illumina Laboratory Services, Illumina
Classification: Benign for Trigonocephaly 1. Last evaluated: 2018-01-13. Review status: criteria provided, single submitter. Criteria: ICSL Variant Classification Criteria 13 December 2019. Collection method: clinical testing. Allele origin: germline.
Comment: the same text as in the submission from Illumina Laboratory Services, Illumina above.

Illumina Laboratory Services, Illumina
Classification: Benign for Hypogonadotropic hypogonadism 2 with or without anosmia. Last evaluated: 2018-01-13. Review status: criteria provided, single submitter. Criteria: ICSL Variant Classification Criteria 13 December 2019. Collection method: clinical testing. Allele origin: germline.
Comment: the same text as in the submission from Illumina Laboratory Services, Illumina above.

Illumina Laboratory Services, Illumina
Classification: Benign for Craniosynostosis. Last evaluated: 2018-01-13. Review status: criteria provided, single submitter. Criteria: ICSL Variant Classification Criteria 13 December 2019. Collection method: clinical testing. Allele origin: germline.
Comment: the same text as in the submission from Illumina Laboratory Services, Illumina above.